The following is an entry in ClinVar:

NM_002076.4(GNS):c.1420-2A>G

Gene: GNS (glucosamine (N-acetyl)-6-sulfatase; minus strand). Cytogenetic location: 12q14.3.
Variant type: single nucleotide variant.
Coding change: c.1420-2A>G on transcript NM_002076.4 (MANE Select); the canonical splice acceptor site of the intron before coding-DNA position 1420, A replaced by G.
Molecular consequence: splice acceptor variant.
Genome position (GRCh38, 1-based): chr12:64,720,184, T>C on the plus strand (A>G on the coding strand, the complement: GNS is on the minus strand). VCF-style: chr12-64720184-T-C. GRCh37 (hg19) VCF-style: chr12-65113964-T-C.
Identifiers: ClinVar variation 1460021 (VCV001460021.6), dbSNP rs2136236649, ClinGen allele CA385601278.

ClinVar aggregate classification (germline): Pathogenic (1 of 4 stars; one submission).

Conditions:
Mucopolysaccharidosis, MPS-III-D (MPS3D). Also called: N-ACETYLGLUCOSAMINE-6-SULFATASE DEFICIENCY; SANFILIPPO SYNDROME D; MPS III D; Mucopoly-saccharidosis type 3D; N-acetylglucosamine-6-sulfate sulfatase deficiency; MPS 3D. Identifiers: Orphanet 581, Orphanet 79272, MedGen C0086650, MONDO:0009658, OMIM 252940.

gnomAD v4.1: 1 of 1,581,220 alleles (0.000063%); highest among the groups gnomAD compares: Non-Finnish European, 0.000087%; no homozygotes.

Submission:

Labcorp Genetics (formerly Invitae), Labcorp
Classification: Pathogenic for Mucopolysaccharidosis, MPS-III-D. Last evaluated: 2021-10-25. Review status: criteria provided, single submitter. Criteria: Invitae Variant Classification Sherloc (09022015). Collection method: clinical testing. Allele origin: germline.
Comment: This sequence change affects an acceptor splice site in intron 12 of the GNS gene. RNA analysis indicates that disruption of this splice site induces altered splicing and may result in an absent or disrupted protein product. This variant is not present in population databases (gnomAD no frequency). Disruption of this splice site has been observed in individual(s) with GNS-related conditions (PMID: 20232353). It has also been observed to segregate with disease in related individuals. Studies have shown that disruption of this splice site results in alters normal splicing of exon 13 and introduces a premature termination codon (PMID: 20232353). The resulting mRNA is expected to undergo nonsense-mediated decay. For these reasons, this variant has been classified as Pathogenic.

Literature cited by the submitters: PubMed 20232353.